The following is an entry in ClinVar:

NM_030632.3(ASXL3):c.4396A>G (p.Asn1466Asp)

Gene: ASXL3 (ASXL transcriptional regulator 3; plus strand). Cytogenetic location: 18q12.1.
Variant type: single nucleotide variant.
Coding change: c.4396A>G on transcript NM_030632.3 (MANE Select); coding-DNA position 4396, A replaced by G.
Protein change: p.Asn1466Asp; replaces asparagine 1466 with aspartic acid.
Molecular consequence: missense variant.
Genome position (GRCh38, 1-based): chr18:33,744,244, A>G. VCF-style: chr18-33744244-A-G. GRCh37 (hg19) VCF-style: chr18-31324208-A-G.
Other names: short protein forms N1466D.
Identifiers: ClinVar variation 3900967 (VCV003900967.1).

ClinVar aggregate classification (germline): Uncertain significance (1 of 4 stars; one submission).

Submission:

GeneDx
Classification: Uncertain significance. Last evaluated: 2024-12-02. Review status: criteria provided, single submitter. Criteria: GeneDx Variant Classification Process June 2021. Collection method: clinical testing. Allele origin: germline. Affected: yes.
Comment: Not observed at significant frequency in large population cohorts (gnomAD); In silico analysis indicates that this missense variant does not alter protein structure/function; Has not been previously published as pathogenic or benign to our knowledge